The following is an entry in ClinVar:

NM_001144967.3(NEDD4L):c.2715A>C (p.Thr905=)

Gene: NEDD4L (NEDD4 like E3 ubiquitin protein ligase; plus strand). Cytogenetic location: 18q21.31.
Variant type: single nucleotide variant.
Coding change: c.2715A>C on transcript NM_001144967.3 (MANE Select); coding-DNA position 2715, A replaced by C.
Protein change: p.Thr905=; no amino-acid change (threonine 905 retained).
Molecular consequence: synonymous variant.
Genome position (GRCh38, 1-based): chr18:58,390,705, A>C. VCF-style: chr18-58390705-A-C. GRCh37 (hg19) VCF-style: chr18-56057937-A-C.
Other names: c.2352A>C, p.Thr784= (NM_001144964.1, NM_001144965.2, NM_001144966.3); c.2691A>C, p.Thr897= (NM_001144968.2); c.2631A>C, p.Thr877= (NM_001144969.2); c.2292A>C, p.Thr764= (NM_001144970.3, NM_001144971.2); c.2523A>C, p.Thr841= (NM_001243960.2); c.2655A>C, p.Thr885= (NM_015277.6).
Identifiers: ClinVar variation 695491 (VCV000695491.20), dbSNP rs374600334, ClinGen allele CA8976038.

ClinVar aggregate classification (germline): Benign/Likely benign. Review status: criteria provided, multiple submitters, no conflicts (2 of 4 stars). 3 submissions from 3 submitters: Benign (1); Likely benign (1). 1 of the submissions does not count toward it. Last evaluated 2026-08-01.

Conditions:
NEDD4L-related disorder. Also called: NEDD4L-related condition.

Allele frequency attached by ClinVar (database versions not stated): TOPMed 0.00020; gnomAD 0.00022; ESP Exome Variant Server 0.00032.
gnomAD v4.1: 571 of 1,600,202 alleles (0.036%); highest among the groups gnomAD compares: Non-Finnish European, 0.04%; no homozygotes.

Submissions (3):

CeGaT Center for Human Genetics Tuebingen
Classification: Likely benign. Last evaluated: 2026-08-01. Review status: criteria provided, single submitter. Criteria: CeGaT Center For Human Genetics Tuebingen Variant Classification Criteria Version 2. Collection method: clinical testing. Allele origin: germline. Affected: yes. Observed: 2 variant alleles.
Comment: NEDD4L: BP4, BP7

Labcorp Genetics (formerly Invitae), Labcorp
Classification: Benign. Last evaluated: 2026-01-15. Review status: criteria provided, single submitter. Criteria: Invitae Variant Classification Sherloc (09022015). Collection method: clinical testing. Allele origin: germline.

PreventionGenetics, part of Exact Sciences
Classification: Likely benign for NEDD4L-related condition. Last evaluated: 2022-05-31. Review status: no assertion criteria provided. Collection method: clinical testing. Allele origin: germline. Not counted in ClinVar's aggregate classification.
Comment: This variant is classified as likely benign based on ACMG/AMP sequence variant interpretation guidelines (Richards et al. 2015 PMID: 25741868, with internal and published modifications).